The following is an entry in ClinVar:

NM_003906.5(MCM3AP):c.2429A>C (p.Asn810Thr)

Gene: MCM3AP (minichromosome maintenance complex component 3 associated protein; minus strand). Cytogenetic location: 21q22.3.
Variant type: single nucleotide variant.
Coding change: c.2429A>C on transcript NM_003906.5 (MANE Select); coding-DNA position 2429, A replaced by C.
Protein change: p.Asn810Thr; replaces asparagine 810 with threonine.
Molecular consequence: missense variant.
Genome position (GRCh38, 1-based): chr21:46,272,597, T>G on the plus strand (A>C on the coding strand, the complement: MCM3AP is on the minus strand). VCF-style: chr21-46272597-T-G. GRCh37 (hg19) VCF-style: chr21-47692511-T-G.
Other names: short protein forms N810T.
Identifiers: ClinVar variation 1975003 (VCV001975003.5), dbSNP rs750793341, ClinGen allele CA410523806.

ClinVar aggregate classification (germline): Uncertain significance (1 of 4 stars; one submission).

gnomAD v4.1: 2 of 1,614,208 alleles (0.00012%); highest among the groups gnomAD compares: Non-Finnish European, 0.00017%; no homozygotes.

Submission:

Labcorp Genetics (formerly Invitae), Labcorp
Classification: Uncertain significance. Last evaluated: 2022-03-02. Review status: criteria provided, single submitter. Criteria: Invitae Variant Classification Sherloc (09022015). Collection method: clinical testing. Allele origin: germline.
Comment: Algorithms developed to predict the effect of missense changes on protein structure and function are either unavailable or do not agree on the potential impact of this missense change (SIFT: "Deleterious"; PolyPhen-2: "Probably Damaging"; Align-GVGD: "Class C0"). In summary, the available evidence is currently insufficient to determine the role of this variant in disease. Therefore, it has been classified as a Variant of Uncertain Significance. This variant has not been reported in the literature in individuals affected with MCM3AP-related conditions. This variant is not present in population databases (gnomAD no frequency). This sequence change replaces asparagine, which is neutral and polar, with threonine, which is neutral and polar, at codon 810 of the MCM3AP protein (p.Asn810Thr).